The following is an entry in ClinVar:

NM_024675.4(PALB2):c.2363C>A (p.Thr788Asn)

Gene: PALB2 (partner and localizer of BRCA2; minus strand). Cytogenetic location: 16p12.2.
Variant type: single nucleotide variant.
Coding change: c.2363C>A on transcript NM_024675.4 (MANE Select); coding-DNA position 2363, C replaced by A.
Protein change: p.Thr788Asn; replaces threonine 788 with asparagine.
Molecular consequence: missense variant.
Genome position (GRCh38, 1-based): chr16:23,629,791, G>T on the plus strand (C>A on the coding strand, the complement: PALB2 is on the minus strand). VCF-style: chr16-23629791-G-T. GRCh37 (hg19) VCF-style: chr16-23641112-G-T.
Other names: short protein forms T788N.
Identifiers: ClinVar variation 572452 (VCV000572452.13), dbSNP rs1567217501, ClinGen allele CA395124764.

ClinVar aggregate classification (germline): Uncertain significance. Review status: criteria provided, multiple submitters, no conflicts (2 of 4 stars). 2 submissions from 2 submitters: Uncertain significance (2). Last evaluated 2025-03-23.

Conditions:
Hereditary cancer-predisposing syndrome. Also called: Neoplastic Syndromes, Hereditary; Hereditary Cancer Syndrome; Tumor predisposition; Hereditary neoplastic syndrome. Identifiers: Orphanet 140162, MedGen C0027672, MeSH D009386, MONDO:0015356.
Familial cancer of breast. Also called: hereditary breast carcinoma; BREAST CANCER, FAMILIAL; Hereditary breast cancer. Identifiers: Orphanet 227535, MedGen C0346153, MONDO:0016419, OMIM 114480. Disease mechanism: loss of function.

gnomAD v4.1: 1 of 1,614,214 alleles (0.000062%); highest among the groups gnomAD compares: Non-Finnish European, 0.000085%; no homozygotes.

Submissions (2):

Labcorp Genetics (formerly Invitae), Labcorp
Classification: Uncertain significance for Familial cancer of breast. Last evaluated: 2025-03-23. Review status: criteria provided, single submitter. Criteria: Invitae Variant Classification Sherloc (09022015). Collection method: clinical testing. Allele origin: germline.
Comment: This sequence change replaces threonine, which is neutral and polar, with asparagine, which is neutral and polar, at codon 788 of the PALB2 protein (p.Thr788Asn). This variant is not present in population databases (gnomAD no frequency). This variant has not been reported in the literature in individuals affected with PALB2-related conditions. ClinVar contains an entry for this variant (Variation ID: 572452). Invitae Evidence Modeling of protein sequence and biophysical properties (such as structural, functional, and spatial information, amino acid conservation, physicochemical variation, residue mobility, and thermodynamic stability) indicates that this missense variant is not expected to disrupt PALB2 protein function with a negative predictive value of 80%. In summary, the available evidence is currently insufficient to determine the role of this variant in disease. Therefore, it has been classified as a Variant of Uncertain Significance.

Ambry Genetics
Classification: Uncertain significance for Hereditary cancer-predisposing syndrome. Last evaluated: 2025-01-13. Review status: criteria provided, single submitter. Criteria: Ambry Variant Classification Scheme 2023. Collection method: clinical testing. Allele origin: germline.
Comment: The p.T788N variant (also known as c.2363C>A), located in coding exon 5 of the PALB2 gene, results from a C to A substitution at nucleotide position 2363. The threonine at codon 788 is replaced by asparagine, an amino acid with similar properties. This amino acid position is conserved. In addition, this alteration is predicted to be tolerated by in silico analysis. Since supporting evidence is limited at this time, the clinical significance of this alteration remains unclear.